The following is an entry in ClinVar:

NM_007272.3(CTRC):c.611G>A (p.Gly204Glu)

Gene: CTRC (chymotrypsin C; plus strand). Cytogenetic location: 1p36.21.
Variant type: single nucleotide variant.
Coding change: c.611G>A on transcript NM_007272.3 (MANE Select); coding-DNA position 611, G replaced by A.
Protein change: p.Gly204Glu; replaces glycine 204 with glutamic acid.
Molecular consequence: missense variant.
Genome position (GRCh38, 1-based): chr1:15,444,723, G>A. VCF-style: chr1-15444723-G-A. GRCh37 (hg19) VCF-style: chr1-15771218-G-A.
Other names: short protein forms G204E.
Identifiers: ClinVar variation 3270173 (VCV003270173.1).

ClinVar aggregate classification (germline): Uncertain significance (1 of 4 stars; one submission).

Conditions:
Hereditary pancreatitis (PCTT). Also called: Hereditary chronic pancreatitis; PRSS1-Related Hereditary Pancreatitis. Identifiers: Orphanet 676, MedGen C0238339, MONDO:0008185, OMIM 167800.

Submission:

Ambry Genetics
Classification: Uncertain significance for Hereditary pancreatitis. Last evaluated: 2024-06-07. Review status: criteria provided, single submitter. Criteria: Ambry Variant Classification Scheme 2023. Collection method: clinical testing. Allele origin: germline.
Comment: The p.G204E variant (also known as c.611G>A), located in coding exon 6 of the CTRC gene, results from a G to A substitution at nucleotide position 611. The glycine at codon 204 is replaced by glutamic acid, an amino acid with similar properties. This amino acid position is conserved. In addition, this alteration is predicted to be deleterious by in silico analysis. Based on the available evidence, the clinical significance of this variant remains unclear.